The following is an entry in ClinVar:

NM_022765.4(MICAL1):c.928C>T (p.Arg310Cys)

Gene: MICAL1 (microtubule associated monooxygenase, calponin and LIM domain containing 1; minus strand). Cytogenetic location: 6q21.
Variant type: single nucleotide variant.
Coding change: c.928C>T on transcript NM_022765.4 (MANE Select); coding-DNA position 928, C replaced by T.
Protein change: p.Arg310Cys; replaces arginine 310 with cysteine.
Molecular consequence: missense variant.
Genome position (GRCh38, 1-based): chr6:109,451,605, G>A on the plus strand (C>T on the coding strand, the complement: MICAL1 is on the minus strand). VCF-style: chr6-109451605-G-A. GRCh37 (hg19) VCF-style: chr6-109772808-G-A.
Other names: c.928C>T (NM_022765.3); c.928C>T, p.Arg310Cys (NM_001159291.2); c.985C>T, p.Arg329Cys (NM_001286613.2); short protein forms R310C, R329C.
Identifiers: ClinVar variation 2983155 (VCV002983155.4), dbSNP rs572866945, ClinGen allele CA3953564.

ClinVar aggregate classification (germline): Uncertain significance. Review status: criteria provided, multiple submitters, no conflicts (2 of 4 stars). 2 submissions from 2 submitters: Uncertain significance (2). Last evaluated 2025-12-17.

Allele frequency attached by ClinVar (database versions not stated): gnomAD 0.00003; TOPMed 0.00005; gnomAD exomes 0.00002; ExAC 0.00002.
gnomAD v4.1: 30 of 1,613,602 alleles (0.0019%); highest among the groups gnomAD compares: African/African-American, 0.004%; no homozygotes.

Submissions (2):

Labcorp Genetics (formerly Invitae), Labcorp
Classification: Uncertain significance. Last evaluated: 2025-12-17. Review status: criteria provided, single submitter. Criteria: Invitae Variant Classification Sherloc (09022015). Collection method: clinical testing. Allele origin: germline.
Comment: This sequence change replaces arginine, which is basic and polar, with cysteine, which is neutral and slightly polar, at codon 329 of the MICAL1 protein (p.Arg329Cys). This variant is present in population databases (rs572866945, gnomAD 0.008%). This variant has not been reported in the literature in individuals affected with MICAL1-related conditions. ClinVar contains an entry for this variant (Variation ID: 2983155). An algorithm developed to predict the effect of missense changes on protein structure and function (PolyPhen-2) suggests that this variant is likely to be disruptive. In summary, the available evidence is currently insufficient to determine the role of this variant in disease. Therefore, it has been classified as a Variant of Uncertain Significance.

Ambry Genetics
Classification: Uncertain significance. Last evaluated: 2025-08-03. Review status: criteria provided, single submitter. Criteria: Ambry Variant Classification Scheme 2023. Collection method: clinical testing. Allele origin: germline.